The following is an entry in ClinVar:

NM_000222.3(KIT):c.2262C>T (p.Pro754=)

Gene: KIT (KIT proto-oncogene, receptor tyrosine kinase; plus strand). Cytogenetic location: 4q12.
Variant type: single nucleotide variant.
Coding change: c.2262C>T on transcript NM_000222.3 (MANE Select); coding-DNA position 2262, C replaced by T.
Protein change: p.Pro754=; no amino-acid change (proline 754 retained).
Molecular consequence: synonymous variant.
Genome position (GRCh38, 1-based): chr4:54,731,899, C>T. VCF-style: chr4-54731899-C-T. GRCh37 (hg19) VCF-style: chr4-55598065-C-T.
Other names: c.2250C>T, p.Pro750= (NM_001093772.2, NM_001385292.1); c.2265C>T, p.Pro755= (NM_001385284.1); c.2259C>T, p.Pro753= (NM_001385285.1); c.2247C>T, p.Pro749= (NM_001385286.1); c.2253C>T, p.Pro751= (NM_001385288.1); c.2262C>T, p.Pro754= (NM_001385290.1).
Identifiers: ClinVar variation 415810 (VCV000415810.19), dbSNP rs200112919, ClinGen allele CA2923706.

ClinVar aggregate classification (germline): Benign/Likely benign. Review status: criteria provided, multiple submitters, no conflicts (2 of 4 stars). 5 submissions from 5 submitters: Benign (3); Likely benign (2). Last evaluated 2026-06-04.

Conditions:
Gastrointestinal stromal tumor. Also called: Gastrointestinal stromal tumor, somatic; Gastrointestinal stroma tumor. Identifiers: Orphanet 44890, MedGen C0238198, MeSH D046152, MONDO:0011719, OMIM 606764, HP:0100723.
Hereditary cancer-predisposing syndrome. Also called: Tumor predisposition; Hereditary Cancer Syndrome; Hereditary neoplastic syndrome; Neoplastic Syndromes, Hereditary. Identifiers: Orphanet 140162, MedGen C0027672, MeSH D009386, MONDO:0015356.

Allele frequency attached by ClinVar (database versions not stated): gnomAD exomes 0.00003 and 0.00009; TOPMed 0.00006; gnomAD 0.00007 and 0.00008; ExAC 0.00016; 1000 Genomes Project 0.00020; 1000 Genomes Project 30x 0.00031.
gnomAD v4.1: 62 of 1,613,564 alleles (0.0038%); highest among the groups gnomAD compares: East Asian, 0.076%; no homozygotes.

Submissions (5):

Myriad Genetics, Inc.
Classification: Benign for Gastrointestinal stromal tumor. Last evaluated: 2026-06-04. Review status: criteria provided, single submitter. Criteria: Myriad Autosomal Dominant, Autosomal Recessive and X-Linked Classification Criteria (2023). Collection method: clinical testing. Allele origin: unknown.
Comment: This variant is considered benign. This variant is a silent/synonymous amino acid change and it is not expected to impact splicing.

Labcorp Genetics (formerly Invitae), Labcorp
Classification: Benign for Gastrointestinal stromal tumor. Last evaluated: 2026-01-31. Review status: criteria provided, single submitter. Criteria: Invitae Variant Classification Sherloc (09022015). Collection method: clinical testing. Allele origin: germline.

KCCC/NGS Laboratory, Kuwait Cancer Control Center
Classification: Benign for Gastrointestinal stromal tumor. Last evaluated: 2025-02-01. Review status: criteria provided, single submitter. Criteria: ACMG Guidelines, 2015. Collection method: clinical testing. Allele origin: germline. Affected: no.

Blueprint Genetics
Classification: Likely benign. Last evaluated: 2022-10-11. Review status: criteria provided, single submitter. Criteria: ACMG Guidelines, 2015. Collection method: clinical testing. Allele origin: germline.

Ambry Genetics
Classification: Likely benign for Hereditary cancer-predisposing syndrome. Last evaluated: 2019-11-01. Review status: criteria provided, single submitter. Criteria: Ambry Variant Classification Scheme 2023. Collection method: clinical testing. Allele origin: germline.